The following is an entry in ClinVar:

ClinVar aggregate classification (germline): Uncertain significance (1 of 4 stars; one submission).

Conditions:
Congenital myotonia, autosomal recessive form. Also called: BECKER DISEASE; Becker Generalized Myotonia; myotonia congenita, autosomal recessive. Identifiers: Orphanet 614, MedGen C0751360, MONDO:0009715, OMIM 255700.
Congenital myotonia, autosomal dominant form (THD). Also called: THOMSEN DISEASE; Myotonia congenita autosomal dominant. Identifiers: Orphanet 614, MedGen C2936781, MONDO:0008055, OMIM 160800.

Submission:

Labcorp Genetics (formerly Invitae), Labcorp
Classification: Uncertain significance for Congenital myotonia, autosomal recessive form; Congenital myotonia, autosomal dominant form. Last evaluated: 2021-08-05. Review status: criteria provided, single submitter. Criteria: Invitae Variant Classification Sherloc (09022015). Collection method: clinical testing. Allele origin: germline.
Comment: In summary, the available evidence is currently insufficient to determine the role of this variant in disease. Therefore, it has been classified as a Variant of Uncertain Significance. Advanced modeling of protein sequence and biophysical properties (such as structural, functional, and spatial information, amino acid conservation, physicochemical variation, residue mobility, and thermodynamic stability) performed at Invitae indicates that this missense variant is expected to disrupt CLCN1 protein function. This variant has not been reported in the literature in individuals affected with CLCN1-related conditions. This variant is not present in population databases (ExAC no frequency). This sequence change replaces valine with glutamic acid at codon 122 of the CLCN1 protein (p.Val122Glu). The valine residue is moderately conserved and there is a moderate physicochemical difference between valine and glutamic acid.

NM_000083.3(CLCN1):c.365T>A (p.Val122Glu)

Gene: CLCN1 (chloride voltage-gated channel 1; plus strand). Cytogenetic location: 7q34.
Variant type: single nucleotide variant.
Coding change: c.365T>A on transcript NM_000083.3 (MANE Select); coding-DNA position 365, T replaced by A.
Protein change: p.Val122Glu; replaces valine 122 with glutamic acid.
Molecular consequence: missense variant. On other transcripts: non-coding transcript variant (1).
Genome position (GRCh38, 1-based): chr7:143,320,727, T>A. VCF-style: chr7-143320727-T-A. GRCh37 (hg19) VCF-style: chr7-143017820-T-A.
Other names: short protein forms V122E.
Identifiers: ClinVar variation 1370157 (VCV001370157.6), dbSNP rs2116836338, ClinGen allele CA369682266.